The following is an entry in ClinVar:

NM_000448.3(RAG1):c.2917C>T (p.Arg973Cys)

Gene: RAG1 (recombination activating 1; plus strand). Cytogenetic location: 11p12.
Variant type: single nucleotide variant.
Coding change: c.2917C>T on transcript NM_000448.3 (MANE Select); coding-DNA position 2917, C replaced by T.
Protein change: p.Arg973Cys; replaces arginine 973 with cysteine.
Molecular consequence: missense variant.
Genome position (GRCh38, 1-based): chr11:36,576,221, C>T. VCF-style: chr11-36576221-C-T. GRCh37 (hg19) VCF-style: chr11-36597771-C-T.
Other names: c.2917C>T, p.Arg973Cys (NM_001377277.1, NM_001377278.1, NM_001377279.1 and 1 more transcripts); short protein forms R973C.
Identifiers: ClinVar variation 855458 (VCV000855458.17), dbSNP rs1389614116, ClinGen allele CA380135985.

ClinVar aggregate classification (germline): Pathogenic/Likely pathogenic. Review status: criteria provided, multiple submitters, no conflicts (2 of 4 stars). 5 submissions from 5 submitters: Pathogenic (2); Likely pathogenic (3). Last evaluated 2025-05-30.

Conditions:
Severe combined immunodeficiency, autosomal recessive, T cell-negative, B cell-negative, NK cell-positive. Also called: SCID, T CELL-NEGATIVE, B CELL-NEGATIVE, NK CELL-POSITIVE; Severe combined immunodeficiency due to complete RAG1/2 deficiency; SCID, AR, T-cell negative, B-cell negative, NK cell-positive. Identifiers: Orphanet 331206, MedGen C1832322, MONDO:0011086, OMIM 601457.
Combined immunodeficiency with skin granulomas. Identifiers: Orphanet 157949, MedGen C2673536, MONDO:0009306, OMIM 233650.
Severe combined immunodeficiency disease. Also called: Severe Combined Immune Deficiency; Severe combined immunodeficiency. Identifiers: Orphanet 183660, MedGen C0085110, MeSH D016511, MONDO:0015974, HP:0004430. Inheritance: X-Linked or Autosomal recessive.
Combined immunodeficiency due to partial RAG1 deficiency. Identifiers: Orphanet 231154, MedGen C1835931, MONDO:0012359, OMIM 609889.

Allele frequency attached by ClinVar (database versions not stated): gnomAD exomes below 0.00001 and 0.00001; gnomAD 0.00001; TOPMed 0.00001.
gnomAD v4.1: 16 of 1,613,950 alleles (0.00099%); highest among the groups gnomAD compares: Admixed American, 0.0017%; no homozygotes.

Submissions (5):

Labcorp Genetics (formerly Invitae), Labcorp
Classification: Pathogenic for Combined immunodeficiency with skin granulomas; Severe combined immunodeficiency, autosomal recessive, T cell-negative, B cell-negative, NK cell-positive. Last evaluated: 2025-05-30. Review status: criteria provided, single submitter. Criteria: Invitae Variant Classification Sherloc (09022015). Collection method: clinical testing. Allele origin: germline.
Comment: This sequence change replaces arginine, which is basic and polar, with cysteine, which is neutral and slightly polar, at codon 973 of the RAG1 protein (p.Arg973Cys). This variant is present in population databases (no rsID available, gnomAD 0.003%). This missense change has been observed in individual(s) with Omenn syndrome and/or severe combined immunodeficiency and with combined immunodeficiency and autoimmunity (PMID: 24290284, 32888943, 35503492, 36279417; internal data). ClinVar contains an entry for this variant (Variation ID: 855458). Invitae Evidence Modeling of protein sequence and biophysical properties (such as structural, functional, and spatial information, amino acid conservation, physicochemical variation, residue mobility, and thermodynamic stability) indicates that this missense variant is expected to disrupt RAG1 protein function with a positive predictive value of 95%. Experimental studies have shown that this missense change affects RAG1 function (PMID: 24290284, 36279417). This variant disrupts the p.Arg973 amino acid residue in RAG1. Other variant(s) that disrupt this residue have been determined to be pathogenic (PMID: 11313270, 28747913, 30307608). This suggests that this residue is clinically significant, and that variants that disrupt this residue are likely to be disease-causing. For these reasons, this variant has been classified as Pathogenic.

Dasa
Classification: Likely pathogenic. Last evaluated: 2025-01-28. Review status: criteria provided, single submitter. Criteria: DASA Assertion Criteria. Collection method: clinical testing. Allele origin: germline.
Comment: NM_000448.3(RAG1):c.2917C>T (p.Arg973Cys) is a missense variant that results in the substitution of arginine with cysteine. The affected residue or protein region has prior evidence supporting clinical relevance. This variant has been recurrently observed in individuals with RAG1-related disorders (PMID: 24290284; PMID: 32888943). Also, this variant is rare in population databases. Based on the currently available evidence, this variant is classified as likely pathogenic.

Institute of Human Genetics, University of Leipzig Medical Center
Classification: Likely pathogenic for Combined immunodeficiency with skin granulomas. Last evaluated: 2024-10-01. Review status: criteria provided, single submitter. Criteria: ACMG Guidelines, 2015. Collection method: clinical testing. Allele origin: unknown. Inheritance: Autosomal recessive inheritance. Affected: yes.
Comment: Criteria applied: PS3_MOD,PM3,PM2_SUP,PP3

Women's Health and Genetics/Laboratory Corporation of America, LabCorp
Classification: Pathogenic for Severe combined immunodeficiency disease. Last evaluated: 2024-07-22. Review status: criteria provided, single submitter. Criteria: LabCorp Variant Classification Summary - May 2015. Collection method: clinical testing. Allele origin: germline.
Comment: Variant summary: RAG1 c.2917C>T (p.Arg973Cys) results in a non-conservative amino acid change in the encoded protein sequence. Four of five in-silico tools predict a damaging effect of the variant on protein function. The variant allele was found at a frequency of 4e-06 in 250542 control chromosomes (gnomAD). c.2917C>T has been reported in the literature in multiple individuals affected with Severe Combined Immunodeficiency (e.g. Lee_2014, Platt_2021, Barreiros_2022). These data indicate that the variant is very likely to be associated with disease. At least one publication reports experimental evidence evaluating an impact on protein function, finding that the variant results in a complete loss of recombination activity (Lee_2014). The following publications have been ascertained in the context of this evaluation (PMID: 24290284, 32888943, 35503492). ClinVar contains an entry for this variant (Variation ID: 855458). Based on the evidence outlined above, the variant was classified as pathogenic.

Baylor Genetics
Classification: Likely pathogenic for Combined immunodeficiency due to partial RAG1 deficiency. Last evaluated: 2023-12-02. Review status: criteria provided, single submitter. Criteria: ACMG Guidelines, 2015. Collection method: clinical testing. Allele origin: unknown.

Literature cited by the submitters: PubMed 24290284 (cited by 3 submitters); PubMed 32888943 (cited by 3 submitters); PubMed 35503492 (cited by Labcorp Genetics (formerly Invitae), Labcorp and Women's Health and Genetics/Laboratory Corporation of America, LabCorp); PubMed 36279417 (cited by Labcorp Genetics (formerly Invitae), Labcorp); PubMed 11313270 (cited by Labcorp Genetics (formerly Invitae), Labcorp); PubMed 28747913 (cited by Labcorp Genetics (formerly Invitae), Labcorp); PubMed 30307608 (cited by Labcorp Genetics (formerly Invitae), Labcorp).